The following is an entry in ClinVar:

ClinVar aggregate classification (germline): Uncertain significance (1 of 4 stars; one submission).

gnomAD v4.1: 1 of 1,417,486 alleles (0.000071%); highest among the groups gnomAD compares: Non-Finnish European, 0.000093%; no homozygotes.

Submission:

Labcorp Genetics (formerly Invitae), Labcorp
Classification: Uncertain significance. Last evaluated: 2022-08-23. Review status: criteria provided, single submitter. Criteria: Invitae Variant Classification Sherloc (09022015). Collection method: clinical testing. Allele origin: germline.
Comment: In summary, the available evidence is currently insufficient to determine the role of this variant in disease. Therefore, it has been classified as a Variant of Uncertain Significance. Algorithms developed to predict the effect of missense changes on protein structure and function (SIFT, PolyPhen-2, Align-GVGD) all suggest that this variant is likely to be disruptive. ClinVar contains an entry for this variant (Variation ID: 1369187). This variant has not been reported in the literature in individuals affected with TRAF3IP1-related conditions. This variant is not present in population databases (gnomAD no frequency). This sequence change replaces threonine, which is neutral and polar, with arginine, which is basic and polar, at codon 9 of the TRAF3IP1 protein (p.Thr9Arg).

NM_015650.4(TRAF3IP1):c.26C>G (p.Thr9Arg)

Gene: TRAF3IP1 (TRAF3 interacting protein 1; plus strand). Cytogenetic location: 2q37.3.
Variant type: single nucleotide variant.
Coding change: c.26C>G on transcript NM_015650.4 (MANE Select); coding-DNA position 26, C replaced by G.
Protein change: p.Thr9Arg; replaces threonine 9 with arginine.
Molecular consequence: missense variant.
Genome position (GRCh38, 1-based): chr2:238,320,688, C>G. VCF-style: chr2-238320688-C-G. GRCh37 (hg19) VCF-style: chr2-239229329-C-G.
Other names: c.26C>G, p.Thr9Arg (NM_001139490.1); short protein forms T9R.
Identifiers: ClinVar variation 1369187 (VCV001369187.8), dbSNP rs1214100414, ClinGen allele CA351239551.
Genomic context (GRCh38, chr2:238,320,688, plus strand): 5'-GGGGCGCGGGCGGCCAGCGGGCGGCGGACGCCGTCATGAACGCGGCGGTGGTGAGGCGGA[C>G]GCAGGAGGCGCTGGGGAAAGTGATTCGGAGGCCGCCGCTGACCGAGAAGCTGCTGAGCAA-3'
Protein context (NP_056465.2, residues 1-19): MNAAVVRR[Thr9Arg]QEALGKVIRR